The following is an entry in ClinVar:

NM_001048174.2(MUTYH):c.464G>A (p.Gly155Asp)

Gene: MUTYH (mutY DNA glycosylase; minus strand). Cytogenetic location: 1p34.1.
Variant type: single nucleotide variant.
Coding change: c.464G>A on transcript NM_001048174.2 (MANE Select); coding-DNA position 464, G replaced by A.
Protein change: p.Gly155Asp; replaces glycine 155 with aspartic acid.
Molecular consequence: missense variant. On other transcripts: non-coding transcript variant (2).
Genome position (GRCh38, 1-based): chr1:45,332,791, C>T on the plus strand (G>A on the coding strand, the complement: MUTYH is on the minus strand). VCF-style: chr1-45332791-C-T. GRCh37 (hg19) VCF-style: chr1-45798463-C-T.
Other names: c.464G>A, p.Gly155Asp (NM_001048171.2, NM_001048173.2, NM_001293195.2); c.467G>A, p.Gly156Asp (NM_001048172.2); c.548G>A, p.Gly183Asp (NM_001128425.2); c.509G>A, p.Gly170Asp (NM_001293190.2); c.497G>A, p.Gly166Asp (NM_001293191.2); c.188G>A, p.Gly63Asp (NM_001293192.2, NM_001293196.2); c.119G>A, p.Gly40Asp (NM_001350650.2, NM_001350651.2); c.539G>A, p.Gly180Asp (NM_012222.3); short protein forms G183D, G156D, G180D, G40D, G63D, G155D, G170D, G166D.
Identifiers: ClinVar variation 141595 (VCV000141595.42), dbSNP rs587781864, ClinGen allele CA013822.

ClinVar aggregate classification (germline): Pathogenic/Likely pathogenic. Review status: criteria provided, multiple submitters, no conflicts (2 of 4 stars). 12 submissions from 12 submitters: Pathogenic (2); Likely pathogenic (9). 1 of the submissions does not count toward it. Last evaluated 2026-07-17.

Conditions:
Hereditary cancer-predisposing syndrome. Also called: Neoplastic Syndromes, Hereditary; Tumor predisposition; Hereditary neoplastic syndrome; Hereditary Cancer Syndrome. Identifiers: Orphanet 140162, MedGen C0027672, MeSH D009386, MONDO:0015356.
Familial adenomatous polyposis 2. Also called: MYH-associated polyposis; MUTYH Polyposis; MUTYH-related attenuated familial adenomatous polyposis; COLORECTAL ADENOMATOUS POLYPOSIS, AUTOSOMAL RECESSIVE; Adenomas, multiple colorectal; ADENOMAS, MULTIPLE COLORECTAL, AUTOSOMAL RECESSIVE. Identifiers: Orphanet 220460, Orphanet 247798, MedGen C3272841, MONDO:0012041, OMIM 608456.
Colon cancer. Also called: Malignant tumor of colon. Identifiers: MedGen C0007102, MONDO:0021063, HP:0003003.

Allele frequency attached by ClinVar (database versions not stated): TOPMed below 0.00001; ExAC 0.00001; gnomAD exomes below 0.00001 and 0.00002; gnomAD 0.00001.

Submissions (12):

Myriad Genetics, Inc.
Classification: Likely pathogenic for Familial adenomatous polyposis 2. Last evaluated: 2026-07-17. Review status: criteria provided, single submitter. Criteria: Myriad Autosomal Dominant, Autosomal Recessive and X-Linked Classification Criteria (2023). Collection method: clinical testing. Allele origin: unknown.
Comment: This variant is considered likely pathogenic. Functional studies indicate this variant impacts protein function [PMID: 40738107]. This variant is expected to disrupt protein structure [Myriad internal data]. This variant has been reported in multiple individuals with clinical features of gene-specific disease [PMID: 20223003, Myriad internal data].

Center for Genomic Medicine, Rigshospitalet, Copenhagen University Hospital
Classification: Likely pathogenic. Last evaluated: 2025-12-29. Review status: criteria provided, single submitter. Criteria: ACMG Guidelines, 2015. Collection method: clinical testing. Allele origin: germline.

Labcorp Genetics (formerly Invitae), Labcorp
Classification: Likely pathogenic for Familial adenomatous polyposis 2. Last evaluated: 2025-09-05. Review status: criteria provided, single submitter. Criteria: Invitae Variant Classification Sherloc (09022015). Collection method: clinical testing. Allele origin: germline.
Comment: This sequence change replaces glycine, which is neutral and non-polar, with aspartic acid, which is acidic and polar, at codon 183 of the MUTYH protein (p.Gly183Asp). This variant is present in population databases (rs587781864, gnomAD 0.004%). This missense change has been observed in individual(s) with clinical features of MUTYH-associated polyposis in the homozygous or compound heterozygous states (PMID: 20223003, 38201513; internal data). In at least one individual the data is consistent with being in trans (on the opposite chromosome) from a pathogenic variant. ClinVar contains an entry for this variant (Variation ID: 141595). An algorithm developed to predict the effect of missense changes on protein structure and function (PolyPhen-2) suggests that this variant is likely to be disruptive. In summary, the currently available evidence indicates that the variant is pathogenic, but additional data are needed to prove that conclusively. Therefore, this variant has been classified as Likely Pathogenic.

Color Diagnostics, LLC DBA Color Health
Classification: Likely pathogenic for Hereditary cancer-predisposing syndrome. Last evaluated: 2025-06-17. Review status: criteria provided, single submitter. Criteria: ACMG Guidelines, 2015. Collection method: clinical testing. Allele origin: germline.
Comment: This missense variant replaces glycine with aspartic acid at codon 183 of the MUTYH protein. This variant is also known as c.506G>A (p.Gly169Asp) based on an alternative transcript (NM_001048171). Computational prediction suggests that this variant may have deleterious impact on protein structure and function. To our knowledge, functional studies have not been reported for this variant. This variant has been reported in two siblings who have a pathogenic MUTYH variant in trans and are affected with familial polyposis (PMID: 20223003) as well as an individual carrying a second pathogenic variant in MUTYH and affected with colorectal polyposis (DOI: 10.33878/2073-7556-2022-21-2-58-63). This variant has been detected in a breast cancer case-control meta-analysis in 2/60466 breast cancer cases and 1/53461 controls (PMID: 33471991). This variant has been identified in 1/251458 chromosomes in the general population by the Genome Aggregation Database (gnomAD). Based on the available evidence, this variant is classified as Likely Pathogenic.

Ambry Genetics
Classification: Pathogenic for Hereditary cancer-predisposing syndrome. Last evaluated: 2025-04-09. Review status: criteria provided, single submitter. Criteria: Ambry Variant Classification Scheme 2023. Collection method: clinical testing. Allele origin: germline.
Comment: The p.G183D pathogenic mutation (also known as c.548G>A), located in coding exon 7 of the MUTYH gene, results from a G to A substitution at nucleotide position 548. The glycine at codon 183 is replaced by aspartic acid, an amino acid with similar properties. In addition, this alteration has been identified in several individuals with a second known MUTYH mutation in trans and a personal and family history consistent with MUTYH-associated polyposis (MAP) (Ambry internal data). This variant is considered to be rare based on population cohorts in the Genome Aggregation Database (gnomAD). This amino acid position is highly conserved in available vertebrate species. In addition, this alteration is predicted to be deleterious by in silico analysis. Based on the supporting evidence, this alteration is interpreted as a disease-causing mutation.

Laboratory of Genetics, Children's Clinical University Hospital Latvia
Classification: Pathogenic. Last evaluated: 2025-02-16. Review status: criteria provided, single submitter. Criteria: ACMG Guidelines, 2015. Collection method: clinical testing. Allele origin: germline. Affected: yes.

All of Us Research Program, National Institutes of Health
Classification: Likely pathogenic for Familial adenomatous polyposis 2. Last evaluated: 2024-09-27. Review status: criteria provided, single submitter. Criteria: ACMG Guidelines, 2015. Collection method: clinical testing. Allele origin: germline. Inheritance: Autosomal recessive inheritance. Observed: 6 variant alleles, 6 heterozygotes.
Comment: This missense variant replaces glycine with aspartic acid at codon 183 of the MUTYH protein. This variant is also known as c.506G>A (p.Gly169Asp) based on an alternative transcript (NM_001048171). Computational prediction suggests that this variant may have deleterious impact on protein structure and function (internally defined REVEL score threshold >= 0.7, PMID: 27666373). To our knowledge, functional studies have not been performed for this variant. This variant has been reported in two siblings who have an in-trans pathogenic MUTYH variant and are affected with familial polyposis (PMID: 20223003) as well as an individual carrying a second pathogenic variant in MUTYH and affected with colorectal polyposis (DOI: 10.33878/2073-7556-2022-21-2-58-63 ). This variant has been detected in a breast cancer case-control meta-analysis in 2/60466 breast cancer cases and 1/53461 controls (PMID: 33471991). This variant has been identified in 1/251458 chromosomes in the general population by the Genome Aggregation Database (gnomAD). Based on the available evidence, this variant is classified as Likely Pathogenic.

This study involves interpretation of variants in research participants for the purpose of population health screening. Participant phenotype was not available at the time of variant classification. Additional details can be found in publication PMID: 35346344, PMCID: PMC8962531

Quest Diagnostics Nichols Institute San Juan Capistrano
Classification: Likely pathogenic. Last evaluated: 2024-09-11. Review status: criteria provided, single submitter. Criteria: Quest Diagnostics criteria. Collection method: clinical testing. Allele origin: unknown.
Comment: The MUTYH c.548G>A (p.Gly183Asp) variant has been reported in the published literature in-trans with another pathogenic MUTYH variant in an individual with familial adenomatous polyposis (PMID: 20223003 (2006)). In addition, this variant has been reported in-trans with a second MUTYH variant in individuals with a personal and family history of MUTYH-associated polyposis (personal communication with Ambry Genetics related to ClinVar ID: 141595). The frequency of this variant in the general population, 0.000004 (1/251458 chromosomes (Genome Aggregation Database)), is uninformative in the assessment of its pathogenicity. Analysis of this variant using bioinformatics tools for the prediction of the effect of amino acid changes on protein structure and function yielded predictions that this variant is damaging. Based on the available information, this variant is classified as likely pathogenic.

Baylor Genetics
Classification: Likely pathogenic for Familial adenomatous polyposis 2. Last evaluated: 2024-02-28. Review status: criteria provided, single submitter. Criteria: ACMG Guidelines, 2015. Collection method: clinical testing. Allele origin: unknown.

GeneDx
Classification: Likely pathogenic. Last evaluated: 2022-08-25. Review status: criteria provided, single submitter. Criteria: GeneDx Variant Classification Process June 2021. Collection method: clinical testing. Allele origin: germline. Affected: yes.
Comment: Not observed at significant frequency in large population cohorts (gnomAD); In silico analysis supports that this missense variant has a deleterious effect on protein structure/function; Also known as c.506G>A, p.Gly169Asp; This variant is associated with the following publications: (PMID: 20223003)

Revvity Omics, Revvity
Classification: Likely pathogenic for Familial adenomatous polyposis 2. Last evaluated: 2019-03-04. Review status: criteria provided, single submitter. Criteria: ACMG Guidelines, 2015. Collection method: clinical testing. Allele origin: germline.

Department of Pathology and Laboratory Medicine, Sinai Health System
Classification: Likely pathogenic for colon cancer. Last evaluated: 2019-04-26. Review status: no assertion criteria provided. Collection method: clinical testing. Allele origin: unknown. Affected: yes. Observed: 1 variant allele. Study: The Canadian Open Genetics Repository (COGR). Not counted in ClinVar's aggregate classification.
Comment: The MUTYH p.Gly183Asp variant was identified in 1 of 180 proband chromosomes (frequency: 0.006) from Polish individuals or families with FAP (Skrzypczak 2006). In this study the proband was affected with familial polyposis but negative for an APC pathogenic variant, and the variant co-occurred in trans with a pathogenic MUTYH variant (494A>G, Y165C). Similar observations have been made by our laboratory in two individuals both with MUTYH-related disease and with co-occurring MUTYH pathogenic variants (c.536A>G, p.Tyr179Cys and c.1187G>A, p.Gly396Asp) however phase was not determined. In discussion with additional clinical laboratories we identified multiple affected patients with this variant and a co-occurring pathogenic MUTYH variant, although phase was generally undetermined there was one case where phase was determined to be trans. The variant was also identified in dbSNP (ID: rs587781864) as “With Likely pathogenic” allele, and in ClinVar (classified with conflicting interpretations of pathogenicity; submitters: pathogenic by Ambry Genetics, likely pathogenic by GeneDx and Color, and uncertain significance by Invitae). The variant was identified in control databases in 1 of 246272 chromosomes at a frequency of 0.000004 (Genome Aggregation Database Feb 27, 2017), observed in the following population: Finnish in 1 of 22300 chromosomes (freq: 0.00005) while not observed in the African, Other, Latino, European Non-Finnish, Ashkenazi Jewish, East Asian and South Asian populations. The p.Gly183 residue is conserved in mammals and 3 of 4 computational analyses (PolyPhen-2, SIFT, AlignGVGD, MutationTaster) predict that the variant will impact the function of the protein; this information is not very predictive of pathogenicity. The variant occurs outside of the splicing consensus sequence and in silico or computational prediction software programs (SpliceSiteFinder, MaxEntScan, NNSPLICE, GeneSplicer) do not predict a difference in splicing. In summary, based on the above information the clinical significance of this variant cannot be determined with certainty at this time although we would lean towards a more pathogenic role for this variant. This variant is classified as likely pathogenic.

Literature cited by the submitters: PubMed 40738107 (cited by Myriad Genetics, Inc. and Center for Genomic Medicine, Rigshospitalet, Copenhagen University Hospital); PubMed 20223003 (cited by 7 submitters); PubMed 38201513 (cited by Labcorp Genetics (formerly Invitae), Labcorp); PubMed 33471991 (cited by 3 submitters).